The following is an entry in ClinVar:

ClinVar aggregate classification (germline): Likely pathogenic (1 of 4 stars; one submission).

Conditions:
Ehlers-Danlos syndrome, classic type, 1 (EDSCL1). Also called: EHLERS-DANLOS SYNDROME, GRAVIS TYPE; EHLERS-DANLOS SYNDROME, SEVERE CLASSIC TYPE; Ehlers-Danlos syndrome, type 1; Ehlers-Danlos Syndrome, Classic Type, COL5A1-Related; EDS I. Identifiers: MedGen C0268335, MONDO:0019567, OMIM 130000.

Submission:

Labcorp Genetics (formerly Invitae), Labcorp
Classification: Likely pathogenic for Ehlers-Danlos syndrome, classic type, 1. Last evaluated: 2021-11-18. Review status: criteria provided, single submitter. Criteria: Invitae Variant Classification Sherloc (09022015). Collection method: clinical testing. Allele origin: germline.
Comment: In summary, the currently available evidence indicates that the variant is pathogenic, but additional data are needed to prove that conclusively. Therefore, this variant has been classified as Likely Pathogenic. This variant disrupts the triple helix domain of COL5A1. Glycine residues within the Gly-Xaa-Yaa repeats of the triple helix domain are required for the structure and stability of fibrillar collagens (PMID: 7695699, 8218237, 19344236), and variants at these glycine residues in COL5A1 are more frequently observed in individuals with disease than in the general population (PMID: 22696272, 23587214). However, the clinical significance of this observation remains uncertain since only a limited number of affected individuals have been described to date. Advanced modeling of protein sequence and biophysical properties (such as structural, functional, and spatial information, amino acid conservation, physicochemical variation, residue mobility, and thermodynamic stability) performed at Invitae indicates that this missense variant is expected to disrupt COL5A1 protein function. This variant has not been reported in the literature in individuals affected with COL5A1-related conditions. This variant is not present in population databases (gnomAD no frequency). This sequence change replaces glycine, which is neutral and non-polar, with valine, which is neutral and non-polar, at codon 637 of the COL5A1 protein (p.Gly637Val).

Literature cited by the submitters: PubMed 7695699; PubMed 8218237; PubMed 19344236; PubMed 22696272; PubMed 23587214.

NM_000093.5(COL5A1):c.1910G>T (p.Gly637Val)

Gene: COL5A1 (collagen type V alpha 1 chain; plus strand). Cytogenetic location: 9q34.3.
Variant type: single nucleotide variant.
Coding change: c.1910G>T on transcript NM_000093.5 (MANE Select); coding-DNA position 1910, G replaced by T.
Protein change: p.Gly637Val; replaces glycine 637 with valine.
Molecular consequence: missense variant.
Genome position (GRCh38, 1-based): chr9:134,758,271, G>T. VCF-style: chr9-134758271-G-T. GRCh37 (hg19) VCF-style: chr9-137650117-G-T.
Other names: c.1910G>T, p.Gly637Val (NM_001278074.1); short protein forms G637V.
Identifiers: ClinVar variation 1497116 (VCV001497116.6), dbSNP rs777506210, ClinGen allele CA375445686.